The following is an entry in ClinVar:

ClinVar aggregate classification (germline): Uncertain significance (1 of 4 stars; one submission).

Conditions:
Intellectual developmental disorder, autosomal dominant 45. Also called: MENTAL RETARDATION, AUTOSOMAL DOMINANT 45; Intellectual disability, autosomal dominant 45. Identifiers: MedGen C4539848, MONDO:0030910, OMIM 617600.

Allele frequency attached by ClinVar (database versions not stated): gnomAD 0.00002; gnomAD exomes 0.00002.
gnomAD v4.1: 7 of 400,504 alleles (0.0017%); highest among the groups gnomAD compares: Admixed American, 0.0044%; no homozygotes.

Submission:

Neuberg Centre For Genomic Medicine, NCGM
Classification: Uncertain significance for Intellectual developmental disorder, autosomal dominant 45. Review status: criteria provided, single submitter. Criteria: ACMG Guidelines, 2015. Collection method: clinical testing. Allele origin: germline. Inheritance: Autosomal dominant inheritance. Affected: yes.
Comment: The missense variant c.2329C>T (p.Arg777Cys) in CIC gene has not been reported previously as a pathogenic variant nor as a benign variant, to our knowledge. The p.Arg777Cys variant is novel (not in any individuals) in gnomAD exomes and 1000 Genomes. This variant has not been reported to the ClinVar database. The amino acid Arg at position 777 is changed to a Cys changing protein sequence and it might alter its composition and physico-chemical properties. The amino acid change p.Arg777Cys in CIC is predicted as conserved by GERP++ and PhyloP across 100 vertebrates. For these reasons, this variant has been classified as Uncertain Significance.

NM_001386298.1(CIC):c.2329C>T (p.Arg777Cys)

Gene: CIC (capicua transcriptional repressor; plus strand). Cytogenetic location: 19q13.2.
Variant type: single nucleotide variant.
Coding change: c.2329C>T on transcript NM_001386298.1 (MANE Select); coding-DNA position 2329, C replaced by T.
Protein change: p.Arg777Cys; replaces arginine 777 with cysteine.
Molecular consequence: missense variant.
Genome position (GRCh38, 1-based): chr19:42,274,112, C>T. VCF-style: chr19-42274112-C-T. GRCh37 (hg19) VCF-style: chr19-42778264-C-T.
Other names: c.2329C>T, p.Arg777Cys (NM_001304815.2, NM_001379480.1, NM_001379482.1 and 1 more transcripts); short protein forms R777C.
Identifiers: ClinVar variation 2585060 (VCV002585060.1), dbSNP rs996916154, ClinGen allele CA308615859.